The following is an entry in ClinVar:

NM_001267550.2(TTN):c.2775+5G>A

Gene: TTN (titin; minus strand). Cytogenetic location: 2q31.2.
Variant type: single nucleotide variant.
Coding change: c.2775+5G>A on transcript NM_001267550.2 (MANE Select); 5 bases into the intron after coding-DNA position 2775, G replaced by A.
Molecular consequence: intron variant.
Genome position (GRCh38, 1-based): chr2:178,784,065, C>T on the plus strand (G>A on the coding strand, the complement: TTN is on the minus strand). VCF-style: chr2-178784065-C-T. GRCh37 (hg19) VCF-style: chr2-179648792-C-T.
Other names: c.2637+5G>A (NM_003319.4, NM_133437.4, NM_133432.3); c.2775+5G>A (NM_133378.4, NM_001256850.1, NM_133379.5 and 1 more transcripts).
Identifiers: ClinVar variation 2586517 (VCV002586517.3), dbSNP rs1436187036, ClinGen allele CA538095229.
Genomic context (GRCh38, chr2:178,784,065, plus strand): 5'-TAGCCAACCACCTGGCCCTGCTCAATGGGAGTGGACCATGTAACAGCGGGTAACCAGTGA[C>T]CAACCTTGGCTTCGCGTCCGTGCAGTACTTCAAAGCGCTCTTCACGGACGGTGGTGCCAG-3'

ClinVar aggregate classification (germline): Uncertain significance. Review status: criteria provided, multiple submitters, no conflicts (2 of 4 stars). 2 submissions from 2 submitters: Uncertain significance (2). Last evaluated 2025-11-18.

Conditions:
Cardiovascular phenotype. Identifiers: MedGen CN230736.

Allele frequency attached by ClinVar (database versions not stated): gnomAD exomes below 0.00001; gnomAD 0.00001.
gnomAD v4.1: 7 of 1,612,476 alleles (0.00043%); highest among the groups gnomAD compares: Middle Eastern, 0.1%; no homozygotes.

Submissions (2):

Ambry Genetics
Classification: Uncertain significance for Cardiovascular phenotype. Last evaluated: 2025-11-18. Review status: criteria provided, single submitter. Criteria: Ambry Variant Classification Scheme 2023. Collection method: clinical testing. Allele origin: germline.
Comment: The c.2637+5G>A intronic variant results from a G to A substitution 5 nucleotides after coding exon 14 in the TTN gene. This nucleotide position is highly conserved in available vertebrate species. In silico splice site analysis for this alteration is inconclusive. Since supporting evidence is limited at this time, the clinical significance of this alteration remains unclear.

Athena Diagnostics
Classification: Uncertain significance. Last evaluated: 2025-10-28. Review status: criteria provided, single submitter. Criteria: Athena Diagnostics Criteria. Collection method: clinical testing. Allele origin: unknown.
Comment: Available data are insufficient to determine the clinical significance of the variant at this time. The frequency of this variant in the general population is uninformative in assessment of its pathogenicity. Computational tools yielded predictions that this variant may interfere with normal RNA splicing.